The following is an entry in ClinVar:

NM_000271.5(NPC1):c.3662T>C (p.Phe1221Ser)

Gene: NPC1 (NPC intracellular cholesterol transporter 1; minus strand). Cytogenetic location: 18q11.2.
Variant type: single nucleotide variant.
Coding change: c.3662T>C on transcript NM_000271.5 (MANE Select); coding-DNA position 3662, T replaced by C.
Protein change: p.Phe1221Ser; replaces phenylalanine 1221 with serine.
Molecular consequence: missense variant.
Genome position (GRCh38, 1-based): chr18:23,533,447, A>G on the plus strand (T>C on the coding strand, the complement: NPC1 is on the minus strand). VCF-style: chr18-23533447-A-G. GRCh37 (hg19) VCF-style: chr18-21113411-A-G.
Other names: short protein forms F1221S.
Identifiers: ClinVar variation 594425 (VCV000594425.6), dbSNP rs1266315135, ClinGen allele CA401790696.

ClinVar aggregate classification (germline): Uncertain significance. Review status: criteria provided, multiple submitters, no conflicts (2 of 4 stars). 2 submissions from 2 submitters: Uncertain significance (2). Last evaluated 2025-08-04.

Conditions:
Niemann-Pick disease, type C1. Also called: NEUROVISCERAL STORAGE DISEASE WITH VERTICAL SUPRANUCLEAR OPHTHALMOPLEGIA; NIEMANN-PICK DISEASE WITH CHOLESTEROL ESTERIFICATION BLOCK; NIEMANN-PICK DISEASE WITHOUT SPHINGOMYELINASE DEFICIENCY; NIEMANN-PICK DISEASE, CHRONIC NEURONOPATHIC FORM; NIEMANN-PICK DISEASE, VARIANT TYPE C1. Identifiers: Orphanet 646, MedGen C3179455, MONDO:0009757, OMIM 257220.

Submissions (2):

Labcorp Genetics (formerly Invitae), Labcorp
Classification: Uncertain significance for Niemann-Pick disease, type C1. Last evaluated: 2025-08-04. Review status: criteria provided, single submitter. Criteria: Invitae Variant Classification Sherloc (09022015). Collection method: clinical testing. Allele origin: germline.
Comment: This sequence change replaces phenylalanine, which is neutral and non-polar, with serine, which is neutral and polar, at codon 1221 of the NPC1 protein (p.Phe1221Ser). This variant is not present in population databases (gnomAD no frequency). This variant has not been reported in the literature in individuals affected with NPC1-related conditions. ClinVar contains an entry for this variant (Variation ID: 594425). Invitae Evidence Modeling of protein sequence and biophysical properties (such as structural, functional, and spatial information, amino acid conservation, physicochemical variation, residue mobility, and thermodynamic stability) indicates that this missense variant is expected to disrupt NPC1 protein function with a positive predictive value of 95%. In summary, the available evidence is currently insufficient to determine the role of this variant in disease. Therefore, it has been classified as a Variant of Uncertain Significance.

Eurofins Ntd Llc (ga)
Classification: Uncertain significance. Last evaluated: 2017-10-06. Review status: criteria provided, single submitter. Criteria: EGL Classification Definitions 2015. Collection method: clinical testing. Allele origin: germline. Observed: 1 variant allele, 1 homozygote.